The following is an entry in ClinVar:

NM_000500.9(CYP21A2):c.518T>A (p.Ile173Asn)

Genes: CYP21A2 (cytochrome P450 family 21 subfamily A member 2; plus strand), LOC106780800 (CYP21A2 recombination region; plus strand). Cytogenetic location: 6p21.33.
Variant type: single nucleotide variant.
Coding change: c.518T>A on transcript NM_000500.9 (MANE Select); coding-DNA position 518, T replaced by A.
Protein change: p.Ile173Asn; replaces isoleucine 173 with asparagine.
Molecular consequence: missense variant.
Genome position (GRCh38, 1-based): chr6:32,039,426, T>A. VCF-style: chr6-32039426-T-A. GRCh37 (hg19) VCF-style: chr6-32007203-T-A.
Other names: I172N; rs6475; p.Ile173Asn (legacy p.Ile172Asn); dbSNP:rs6475; c.518T>A (NM_000500.2); c.428T>A, p.Ile143Asn (NM_001128590.4); c.113T>A, p.Ile38Asn (NM_001368143.2, NM_001368144.2); short protein forms I173N, I143N, I38N.
Identifiers: ClinVar variation 12150 (VCV000012150.58), dbSNP rs6475, ClinGen allele CA341179.

ClinVar aggregate classification (germline): Pathogenic. Review status: criteria provided, multiple submitters, no conflicts (2 of 4 stars). 28 submissions from 28 submitters: Pathogenic (23). 5 of the submissions do not count toward it. Last evaluated 2026-07-18.

Conditions:
Inborn genetic diseases. Identifiers: MedGen C0950123, MeSH D030342.
Congenital adrenal hyperplasia. Identifiers: Orphanet 418, MedGen C0001627, MONDO:0018479, HP:0008258.
21-Hydroxylase-Deficient Congenital Adrenal Hyperplasia. Also called: ADRENAL HYPERPLASIA III; ADRENAL HYPERPLASIA, CONGENITAL, DUE TO 21-HYDROXYLASE DEFICIENCY. Identifiers: MedGen C2936858, OMIM 201910.

Allele frequency attached by ClinVar (database versions not stated): 1000 Genomes Project 0.00080; gnomAD 0.00120 and 0.00117; 1000 Genomes Project 30x 0.00219; ExAC 0.00040; gnomAD exomes 0.00048.

Submissions 1 to 10 of 28:

Department of Medical Genetics, Ordu University Medical School Training and Research Hospital
Classification: Pathogenic for 21-Hydroxylase-Deficient Congenital Adrenal Hyperplasia. Last evaluated: 2026-07-18. Review status: criteria provided, single submitter. Criteria: ACMG Guidelines, 2015. Collection method: research. Allele origin: germline. Inheritance: Autosomal recessive inheritance. Affected: yes. Observed: 4 variant alleles, 3 heterozygotes, 1 homozygote.
Comment: This variant (NM_000500.9:c.518T>A, p.Ile173Asn) is the classic simple-virilising reference allele of 21-hydroxylase deficiency. ACMG/AMP criteria applied: PS3 (functional studies show enzyme activity reduced to a level consistent with the simple-virilising form), PM1 (missense change at a residue critical for enzyme function), PP4 (patient phenotype and biochemistry are highly specific for CYP21A2 disease), and PP5 (well-established as Pathogenic in ClinVar and the literature). Combined evidence meets the ACMG 2015 criteria for a Pathogenic classification.

Labcorp Genetics (formerly Invitae), Labcorp
Classification: Pathogenic. Last evaluated: 2026-01-26. Review status: criteria provided, single submitter. Criteria: Invitae Variant Classification Sherloc (09022015). Collection method: clinical testing. Allele origin: germline.
Comment: This sequence change replaces isoleucine, which is neutral and non-polar, with asparagine, which is neutral and polar, at codon 173 of the CYP21A2 protein (p.Ile173Asn). The frequency data for this variant in the population databases (gnomAD) is considered unreliable due to the presence of homologous sequence, such as pseudogenes or paralogs, in the genome. This missense change has been observed in individual(s) with classic salt-wasting, simple virilizing, and non-classic congenital adrenal hyperplasia due to 21-hydroxylase deficiency (PMID: 3257825, 8698338, 23359698, 26804566, 30968594). In at least one individual the data is consistent with being in trans (on the opposite chromosome) from a pathogenic variant. This variant is also known as I172N. ClinVar contains an entry for this variant (Variation ID: 12150). Invitae Evidence Modeling of protein sequence and biophysical properties (such as structural, functional, and spatial information, amino acid conservation, physicochemical variation, residue mobility, and thermodynamic stability) indicates that this missense variant is expected to disrupt CYP21A2 protein function with a positive predictive value of 80%. Experimental studies have shown that this missense change affects CYP21A2 function (PMID: 2249999, 30968594). For these reasons, this variant has been classified as Pathogenic.

Intergen Genetics and Rare Diseases Diagnosis Center
Classification: Pathogenic for 21-Hydroxylase-Deficient Congenital Adrenal Hyperplasia. Last evaluated: 2025-12-01. Review status: criteria provided, single submitter. Criteria: ACMG Guidelines, 2015. Collection method: clinical testing. Allele origin: unknown. Inheritance: Autosomal recessive inheritance. Affected: yes. Observed: 1 homozygote.
Comment: PM3, PS3

Ambry Genetics
Classification: Pathogenic for Inborn genetic diseases. Last evaluated: 2025-11-20. Review status: criteria provided, single submitter. Criteria: Ambry Variant Classification Scheme 2023. Collection method: clinical testing. Allele origin: germline.
Comment: The c.518T>A (p.I173N) alteration is located in exon 4 (coding exon 4) of the CYP21A2 gene. This alteration results from a T to A substitution at nucleotide position 518, causing the isoleucine (I) at amino acid position 173 to be replaced by an asparagine (N). Based on data from gnomAD, the A allele has an overall frequency of 0.058% (162/280702) total alleles studied. The highest observed frequency was 0.164% (41/25010) of European (Finnish) alleles. This variant has been identified in the homozygous state and/or in conjunction with other CYP21A2 variant(s) in individual(s) with features consistent with 21-hydroxylase-deficient congenital adrenal hyperplasia (Tang, 2023; Saraf, 2024; Yuan, 2024). This amino acid position is highly conserved in available vertebrate species. Functional analysis demonstrated that the p.I173N alteration, formerly known as I172N, has an average enzyme activity of 1.6% compared to wild-type (Bronstad, 2014). The in silico prediction for this alteration is inconclusive. Based on the available evidence, this alteration is classified as pathogenic.

Lildballe Lab, Aarhus University Hospital
Classification: Pathogenic for congenital adrenal hyperplasia, due to 21-hydroxylase deficiency. Last evaluated: 2025-10-09. Review status: criteria provided, single submitter. Criteria: ACMG Guidelines, 2015. Collection method: research. Allele origin: germline. Affected: yes.
Comment: PM3verystrong PS3sup PM2sup. PM1sup PP2 PS4

3billion
Classification: Pathogenic for 21-Hydroxylase-Deficient Congenital Adrenal Hyperplasia. Last evaluated: 2025-08-21. Review status: criteria provided, single submitter. Criteria: ACMG Guidelines, 2015. Collection method: clinical testing. Allele origin: germline. Affected: yes.
Comment: The variant is observed at an extremely low frequency in the gnomAD v4.1.0 dataset (total allele frequency: 0.056%). However, frequency data for this variant in the general population cannot be distinguished from that of the (CYP21P) pseudogene, and are therefore uninformative in assessment of variant pathogenicity. Predicted Consequence/Location: Missense variant Functional studies provide strong evidence of the variant having a damaging effect on the gene or gene product (PMID: 24671123). In silico tool predictions suggest damaging effect of the variant on gene or gene product [REVEL: 0.77 (>=0.6, sensitivity 0.68 and specificity 0.92); 3Cnet: 0.99 (> 0.75, sensitivity 0.96 and precision 0.92)]. The same nucleotide change resulting in the same amino acid change has been previously reported as pathogenic/likely pathogenic with strong evidence (ClinVar ID: VCV000012150 /PMID: 3257825 /3billion dataset). Therefore, this variant is classified as Pathogenic according to the recommendation of ACMG/AMP guideline.

Revvity Omics, Revvity
Classification: Pathogenic. Last evaluated: 2025-06-27. Review status: criteria provided, single submitter. Criteria: ACMG Guidelines, 2015. Collection method: clinical testing. Allele origin: germline.

Athena Diagnostics
Classification: Pathogenic. Last evaluated: 2024-12-10. Review status: criteria provided, single submitter. Criteria: Athena Diagnostics Criteria. Collection method: clinical testing. Allele origin: unknown.
Comment: This variant is located in a genomic region of low or unreliable sequencing quality, and therefore estimations of its population frequency are uninformative in assessment of variant pathogenicity. This variant is also referred to as p.Ile172Asn in published literature. In multiple individuals, this variant has been seen in trans with other recessive pathogenic variants in CYP21A2, suggesting this variant is also pathogenic. Assessment of experimental evidence suggests this variant results in abnormal protein function. (PMID: 2249999, 24667412, 24671123)

Quest Diagnostics Nichols Institute San Juan Capistrano
Classification: Pathogenic. Last evaluated: 2024-12-10. Review status: criteria provided, single submitter. Criteria: Quest Diagnostics criteria. Collection method: clinical testing. Allele origin: unknown.
Comment: The CYP21A2 c.518T>A (p.Ile173Asn) variant (also known as I173N or I172N) has been shown to cause significantly reduced CYP21A2 enzymatic activity (PMID: 2249999 (1990), 24667412 (2014), 24671123 (2014)). This variant has been reported in individuals with salt wasting, simple virilizing, and non-classic CAH (PMID: 3257825 (1988), 17042033 (2006), 21098686 (2011), 23359698 (2013), 31586465 (2020)). Based on the available information, this variant is classified as pathogenic.

Victorian Clinical Genetics Services, Murdoch Childrens Research Institute
Classification: Pathogenic for 21-Hydroxylase-Deficient Congenital Adrenal Hyperplasia. Last evaluated: 2023-07-17. Review status: criteria provided, single submitter. Criteria: ACMG Guidelines, 2015. Collection method: clinical testing. Allele origin: germline. Inheritance: Autosomal recessive inheritance. Affected: yes.
Comment: Based on the classification scheme VCGS_Germline_v1.3.2, this variant is classified as Pathogenic. Following criteria are met: 0102 - Loss of function is a known mechanism of disease in this gene and is associated with congenital adrenal hyperplasia, due to 21-hydroxylase deficiency. (I) 0106 - This gene is associated with autosomal recessive disease. (I) 0200 - Variant is predicted to result in a missense amino acid change from isoleucine to asparagine. (I) 0251 - This variant is heterozygous. (I) 0304 - Variant is present in gnomAD (v3) <0.01 for a recessive condition (181 heterozygotes, 0 homozygotes). (SP) 0502 - Missense variant with conflicting in silico predictions and uninformative conservation. (I) 0600 - Variant is located in the annotated cytochrome P450 domain (NCBI, PDB). (I) 0705 - No comparable missense variants have previous evidence for pathogenicity. (I) 0801 - This variant has strong previous evidence of pathogenicity in unrelated individuals. The variant has previously been reported in many patients with congenital adrenal hyperplasia (ClinVar, HGMD, PMID: 3257825, PMID: 31586465). (I) Legend: (SP) - Supporting pathogenic, (I) - Information, (SB) - Supporting benign